The following is an entry in ClinVar:

NC_000012.11:g.(?_122064648)_(122079549_?)dup

Gene: ORAI1 (ORAI calcium release-activated calcium modulator 1; plus strand). Cytogenetic location: 12q24.31.
Variant type: Duplication.
Identifiers: ClinVar variation 3244336 (VCV003244336.1).

ClinVar aggregate classification (germline): Uncertain significance (1 of 4 stars; one submission).

Conditions:
Myopathy, tubular aggregate, 2 (TAM2). Identifiers: MedGen C4014557, MONDO:0014383, OMIM 615883.
Combined immunodeficiency due to ORAI1 deficiency. Also called: IMMUNODEFICIENCY 9. Identifiers: Orphanet 169090, Orphanet 317428, MedGen C2748568, MONDO:0013007, OMIM 612782.

Submission:

Labcorp Genetics (formerly Invitae), Labcorp
Classification: Uncertain significance for Myopathy, tubular aggregate, 2; Combined immunodeficiency due to ORAI1 deficiency. Last evaluated: 2023-07-10. Review status: criteria provided, single submitter. Criteria: Invitae Variant Classification Sherloc (09022015). Collection method: clinical testing. Allele origin: unknown.
Comment: A copy number gain of the genomic region encompassing the full coding sequence of the ORAI1 gene has been identified. The boundaries of this event are unknown as they extend beyond the assayed region for this gene and therefore may encompass additional genes. As the precise location of this event is unknown, it may be in tandem or it may be located elsewhere in the genome. This variant has not been reported in the literature in individuals affected with ORAI1-related conditions. In summary, the available evidence is currently insufficient to determine the role of this variant in disease. Therefore, it has been classified as a Variant of Uncertain Significance.